The following is an entry in ClinVar:

ClinVar aggregate classification (germline): Benign/Likely benign. Review status: criteria provided, multiple submitters, no conflicts (2 of 4 stars). 6 submissions from 6 submitters: Benign (1); Likely benign (5). Last evaluated 2026-03-27.

Conditions:
Cardiovascular phenotype. Identifiers: MedGen CN230736.
Dilated cardiomyopathy 1DD (CMD1DD). Identifiers: Orphanet 154, MedGen C2750995, MONDO:0013168, OMIM 613172.

Allele frequency attached by ClinVar (database versions not stated): gnomAD exomes 0.00005; ExAC 0.00015; gnomAD 0.00015 and 0.00016; TOPMed 0.00019; 1000 Genomes Project 0.00020; 1000 Genomes Project 30x 0.00031.
gnomAD v4.1: 58 of 1,551,588 alleles (0.0037%); highest among the groups gnomAD compares: African/African-American, 0.052%; no homozygotes.

Submissions (6):

Molecular Diagnostic Laboratory for Inherited Cardiovascular Disease, Montreal Heart Institute
Classification: Likely benign. Last evaluated: 2026-03-27. Review status: criteria provided, single submitter. Criteria: ACMG Guidelines, 2015. Collection method: clinical testing. Allele origin: germline. Affected: no.
Comment: BS1;BP7

Labcorp Genetics (formerly Invitae), Labcorp
Classification: Likely benign for Dilated cardiomyopathy 1DD. Last evaluated: 2026-02-04. Review status: criteria provided, single submitter. Criteria: Invitae Variant Classification Sherloc (09022015). Collection method: clinical testing. Allele origin: germline.

Blueprint Genetics
Classification: Likely benign. Last evaluated: 2024-04-22. Review status: criteria provided, single submitter. Criteria: ACMG Guidelines, 2015. Collection method: clinical testing. Allele origin: germline.

ARUP Laboratories, Molecular Genetics and Genomics, ARUP Laboratories
Classification: Likely benign for Dilated cardiomyopathy 1DD. Last evaluated: 2020-03-18. Review status: criteria provided, single submitter. Criteria: ARUP Molecular Germline Variant Investigation Process. Collection method: clinical testing. Allele origin: germline.

Ambry Genetics
Classification: Likely benign for Cardiovascular phenotype. Last evaluated: 2019-07-16. Review status: criteria provided, single submitter. Criteria: Ambry Variant Classification Scheme 2023. Collection method: clinical testing. Allele origin: germline.

GeneDx
Classification: Benign. Last evaluated: 2015-12-04. Review status: criteria provided, single submitter. Criteria: GeneDx Variant Classification (06012015). Collection method: clinical testing. Allele origin: germline. Affected: yes.
Comment: This variant is considered likely benign or benign based on one or more of the following criteria: it is a conservative change, it occurs at a poorly conserved position in the protein, it is predicted to be benign by multiple in silico algorithms, and/or has population frequency not consistent with disease.

NM_001134363.3(RBM20):c.3513G>A (p.Thr1171=)

Gene: RBM20 (RNA binding motif protein 20; plus strand). Cytogenetic location: 10q25.2.
Variant type: single nucleotide variant.
Coding change: c.3513G>A on transcript NM_001134363.3 (MANE Select); coding-DNA position 3513, G replaced by A.
Protein change: p.Thr1171=; no amino-acid change (threonine 1171 retained).
Molecular consequence: synonymous variant.
Genome position (GRCh38, 1-based): chr10:110,831,122, G>A. VCF-style: chr10-110831122-G-A. GRCh37 (hg19) VCF-style: chr10-112590880-G-A.
Other names: c.3513G>A (LRG_382t1).
Identifiers: ClinVar variation 378474 (VCV000378474.22), dbSNP rs184312864, ClinGen allele CA5688794.